The following is an entry in ClinVar:

NM_007327.3(GRIN1):c.1633_1635delGAG

Gene: GRIN1 (glutamate ionotropic receptor NMDA type subunit 1; plus strand). Cytogenetic location: 9q34.3.
Variant type: Deletion.
Coding change: c.1633_1635delGAG on transcript NM_007327.3; coding-DNA positions 1633 to 1635, 3 bases deleted (GAG).
Genome position (GRCh38, 1-based): chr9:137,162,172-137,162,174, GAG deleted; deleting any 3 consecutive bases within chr9:137,162,170-137,162,174 gives the same sequence; the c. name uses the placement nearest the transcript's 3' end. VCF-style (leftmost placement, unchanged base first): chr9-137162169-CAGG-C. GRCh37 (hg19) VCF-style: chr9-140056621-CAGG-C.
Identifiers: ClinVar variation 4839904 (VCV004839904.1).

ClinVar aggregate classification (germline): Likely pathogenic (1 of 4 stars; one submission).

Conditions:
Inborn genetic diseases. Identifiers: MedGen C0950123, MeSH D030342.

Submission:

Ambry Genetics
Classification: Likely pathogenic for Inborn genetic diseases. Last evaluated: 2026-03-02. Review status: criteria provided, single submitter. Criteria: Ambry Variant Classification Scheme 2023. Collection method: clinical testing. Allele origin: germline.
Comment: The c.1633_1635delGAG (p.E545del) alteration is located in exon 12 (coding exon 12) of the GRIN1 gene. This alteration consists of an in-frame deletion of 3 nucleotides between nucleotide positions c.1633 and c.1635, resulting in the deletion of 1 residue. for autosomal dominant GRIN1-related neurodevelopmental disorder; however, its clinical significance for autosomal recessive GRIN1-related neurodevelopmental disorder is uncertain. This variant was not reported in population-based cohorts in the Genome Aggregation Database (gnomAD). This amino acid position is highly conserved in available vertebrate species. Based on internal structural analysis, this variant is more disruptive than known pathogenic variants (Choi, 2012). This variant is predicted to be deleterious by in silico analysis (Choi, 2012). Based on the available evidence, this alteration is classified as likely pathogenic.